The following is an entry in ClinVar:

NM_007194.4(CHEK2):c.1598del (p.Thr533fs)

Gene: CHEK2 (checkpoint kinase 2; minus strand). Cytogenetic location: 22q12.1.
Variant type: Deletion.
Coding change: c.1598del on transcript NM_007194.4 (MANE Select); coding-DNA position 1598, one base deleted (C; older notation c.1598delC).
Protein change: p.Thr533fs; shifts the reading frame from threonine 533.
Molecular consequence: frameshift variant.
Genome position (GRCh38, 1-based): chr22:28,687,931, G deleted on the plus strand (C on the coding strand, the reverse complement: CHEK2 is on the minus strand). VCF-style (leftmost placement, unchanged base first): chr22-28687930-TG-T. GRCh37 (hg19) VCF-style: chr22-29083918-TG-T.
Other names: c.1727delC, p.Thr576Lysfs (NM_001005735.3); c.935delC, p.Thr312Lysfs (NM_001257387.3); c.1397delC, p.Thr466Lysfs (NM_001349956.3); c.1511delC, p.Thr504Lysfs (NM_145862.3); short protein forms T466fs, T312fs, T504fs, T533fs, T576fs.
Identifiers: ClinVar variation 1776042 (VCV001776042.2), dbSNP rs2517747706, ClinGen allele CA2580099507.

ClinVar aggregate classification (germline): Uncertain significance (1 of 4 stars; one submission).

Conditions:
Hereditary cancer-predisposing syndrome. Also called: Neoplastic Syndromes, Hereditary; Tumor predisposition; Hereditary Cancer Syndrome; Hereditary neoplastic syndrome. Identifiers: Orphanet 140162, MedGen C0027672, MeSH D009386, MONDO:0015356.

Submission:

Ambry Genetics
Classification: Uncertain significance for Hereditary cancer-predisposing syndrome. Last evaluated: 2020-09-23. Review status: criteria provided, single submitter. Criteria: Ambry Variant Classification Scheme 2023. Collection method: clinical testing. Allele origin: germline.
Comment: The c.1598delC variant, located in coding exon 14 of the CHEK2 gene, results from a deletion of one nucleotide at nucleotide position 1598, causing a translational frameshift with a predicted alternate stop codon (p.T533Kfs*33). This alteration occurs at the 3' terminus of the CHEK2 gene, is not expected to trigger nonsense-mediated mRNAdecay and results in the elongation of the protein by 21 amino acids by the removal of the last 11 native amino acids and the addition of 32 alternative amino acids. The exact functional effect of the altered amino acids is unknown. Since supporting evidence is limited at this time, the clinical significance of this alteration remains unclear.